The following is an entry in ClinVar:

NM_001042492.3(NF1):c.2324A>C (p.Glu775Ala)

Gene: NF1 (neurofibromin 1; plus strand). Cytogenetic location: 17q11.2.
Variant type: single nucleotide variant.
Coding change: c.2324A>C on transcript NM_001042492.3 (MANE Select); coding-DNA position 2324, A replaced by C.
Protein change: p.Glu775Ala; replaces glutamic acid 775 with alanine.
Molecular consequence: missense variant.
Genome position (GRCh38, 1-based): chr17:31,227,290, A>C. VCF-style: chr17-31227290-A-C. GRCh37 (hg19) VCF-style: chr17-29554308-A-C.
Other names: c.2324A>C, p.Glu775Ala (NM_000267.4); short protein forms E775A.
Identifiers: ClinVar variation 1037719 (VCV001037719.6), dbSNP rs2067032355, ClinGen allele CA398982938.
Genomic context (GRCh38, chr17:31,227,290, plus strand): 5'-TTCAGAAAAGAGTGATGGCACTGCTGAGGCGCATTGAGCATCCCACTGCAGGAAACACTG[A>C]GGTATGCCCTTAGCAACAGAAACACCCCTCCCAGGCGCCCACCCTCAATTTGGAAGCCTC-3'
Protein context (NP_001035957.1, residues 765-785): RIEHPTAGNT[Glu775Ala]AWEDTHAKWE

ClinVar aggregate classification (germline): Pathogenic. Review status: criteria provided, multiple submitters, no conflicts (2 of 4 stars). 2 submissions from 2 submitters: Pathogenic (2). Last evaluated 2025-02-20.

Conditions:
Neurofibromatosis, type 1 (NF1). Also called: NEUROFIBROMATOSIS, TYPE I, SOMATIC; VON RECKLINGHAUSEN DISEASE; Peripheral type neurofibromatosis; Neurofibromatosis, type I. Identifiers: Orphanet 636, MedGen C0027831, MONDO:0018975, OMIM 162200. Disease mechanism: loss of function.
Hereditary cancer-predisposing syndrome. Also called: Neoplastic Syndromes, Hereditary; Hereditary Cancer Syndrome; Tumor predisposition; Hereditary neoplastic syndrome. Identifiers: Orphanet 140162, MedGen C0027672, MeSH D009386, MONDO:0015356.
Cardiovascular phenotype. Identifiers: MedGen CN230736.

Submissions (2):

Ambry Genetics
Classification: Pathogenic for Cardiovascular phenotype; Hereditary cancer-predisposing syndrome. Last evaluated: 2025-02-20. Review status: criteria provided, single submitter. Criteria: Ambry Variant Classification Scheme 2023. Collection method: clinical testing. Allele origin: germline.
Comment: The p.E775A pathogenic mutation (also known as c.2324A>C), located in coding exon 19 of the NF1 gene, results from an A to C substitution at nucleotide position 2324. The glutamic acid at codon 775 is replaced by alanine, an amino acid with dissimilar properties. This variant was reported in individual(s) with features consistent with Neurofibromatosis type 1; in at least one individual, it was determined to be de novo (external communication; Ambry internal data). In silico splice site analysis predicts that this alteration may weaken the native splice donor site. RNA studies have demonstrated that this alteration results in abnormal splicing in the set of samples tested (Ambry internal data). This amino acid position is highly conserved in available vertebrate species. This variant is considered to be rare based on population cohorts in the Genome Aggregation Database (gnomAD). Based on the supporting evidence, this variant is interpreted as a disease-causing mutation.

Labcorp Genetics (formerly Invitae), Labcorp
Classification: Pathogenic for Neurofibromatosis, type 1. Last evaluated: 2024-03-17. Review status: criteria provided, single submitter. Criteria: Invitae Variant Classification Sherloc (09022015). Collection method: clinical testing. Allele origin: germline.
Comment: This sequence change replaces glutamic acid, which is acidic and polar, with alanine, which is neutral and non-polar, at codon 775 of the NF1 protein (p.Glu775Ala). This variant is not present in population databases (gnomAD no frequency). This missense change has been observed in individual(s) with clinical features of neurofibromatosis type 1 and/or clinical features of NF1-related conditions (Invitae). In at least one individual the variant was observed to be de novo. ClinVar contains an entry for this variant (Variation ID: 1037719). An algorithm developed to predict the effect of missense changes on protein structure and function (PolyPhen-2) suggests that this variant is likely to be disruptive. Algorithms developed to predict the effect of sequence changes on RNA splicing suggest that this variant may disrupt the consensus splice site. For these reasons, this variant has been classified as Pathogenic.